The following is an entry in ClinVar:

NM_000642.3(AGL):c.941G>A (p.Arg314Lys)

Gene: AGL (amylo-alpha-1,6-glucosidase and 4-alpha-glucanotransferase; plus strand). Cytogenetic location: 1p21.2.
Variant type: single nucleotide variant.
Coding change: c.941G>A on transcript NM_000642.3 (MANE Select); coding-DNA position 941, G replaced by A.
Protein change: p.Arg314Lys; replaces arginine 314 with lysine.
Molecular consequence: missense variant.
Genome position (GRCh38, 1-based): chr1:99,870,852, G>A. VCF-style: chr1-99870852-G-A. GRCh37 (hg19) VCF-style: chr1-100336408-G-A.
Other names: c.941G>A, p.Arg314Lys (NM_000028.3, NM_000643.3, NM_000644.3 and 3 more transcripts); c.893G>A, p.Arg298Lys (NM_000646.3); c.737G>A, p.Arg246Lys (NM_001425328.1, NM_001425329.1); c.563G>A, p.Arg188Lys (NM_001425332.1); short protein forms R298K, R314K, R188K, R246K.
Identifiers: ClinVar variation 1467101 (VCV001467101.3), dbSNP rs2101113628, ClinGen allele CA341341876.

ClinVar aggregate classification (germline): Uncertain significance (1 of 4 stars; one submission).

Conditions:
Glycogen storage disease type III (GSD3). Also called: Cori disease; FORBES DISEASE. Identifiers: Orphanet 366, MedGen C0017922, MONDO:0009291, OMIM 232400.

gnomAD v4.1: 1 of 1,597,430 alleles (0.000063%); no homozygotes.

Submission:

Labcorp Genetics (formerly Invitae), Labcorp
Classification: Uncertain significance for Glycogen storage disease type III. Last evaluated: 2022-03-08. Review status: criteria provided, single submitter. Criteria: Invitae Variant Classification Sherloc (09022015). Collection method: clinical testing. Allele origin: germline.
Comment: This sequence change replaces arginine, which is basic and polar, with lysine, which is basic and polar, at codon 314 of the AGL protein (p.Arg314Lys). This variant is not present in population databases (gnomAD no frequency). This variant has not been reported in the literature in individuals affected with AGL-related conditions. Algorithms developed to predict the effect of missense changes on protein structure and function output the following: SIFT: "Tolerated"; PolyPhen-2: "Benign"; Align-GVGD: "Class C0". The lysine amino acid residue is found in multiple mammalian species, which suggests that this missense change does not adversely affect protein function. Algorithms developed to predict the effect of sequence changes on RNA splicing suggest that this variant may disrupt the consensus splice site. In summary, the available evidence is currently insufficient to determine the role of this variant in disease. Therefore, it has been classified as a Variant of Uncertain Significance.